The following is an entry in ClinVar:

ClinVar aggregate classification (germline): Benign/Likely benign. Review status: criteria provided, multiple submitters, no conflicts (2 of 4 stars). 5 submissions from 5 submitters: Benign (1); Likely benign (2). 2 of the submissions do not count toward it. Last evaluated 2021-04-08.

Conditions:
DST-related disorder. Also called: DST-related disorders; DST-related condition.
Hereditary sensory and autonomic neuropathy type 6. Also called: HSAN VI; Neuropathy, hereditary sensory and autonomic, type VI. Identifiers: Orphanet 314381, MedGen C3539003, MONDO:0013839, OMIM 614653.

Allele frequency attached by ClinVar (database versions not stated): ESP Exome Variant Server 0.00204; gnomAD 0.00220 and 0.00276; TOPMed 0.00279; gnomAD exomes 0.00295 and 0.00490; ExAC 0.00496; 1000 Genomes Project 30x 0.00593; 1000 Genomes Project 0.00619.
gnomAD v4.1: 4,060 of 1,367,502 alleles (0.3%); highest among the groups gnomAD compares: South Asian, 1.9%; 40 homozygotes.

Submissions (5):

GeneDx
Classification: Likely benign. Last evaluated: 2021-04-08. Review status: criteria provided, single submitter. Criteria: GeneDx Variant Classification Process June 2021. Collection method: clinical testing. Allele origin: germline. Affected: yes.

Clinical Genetics DNA and cytogenetics Diagnostics Lab, Erasmus MC, Erasmus Medical Center
Classification: Benign for Hereditary sensory and autonomic neuropathy type 6. Last evaluated: 2017-11-09. Review status: criteria provided, single submitter. Criteria: ACGS Guidelines, 2013. Collection method: clinical testing. Allele origin: germline. Affected: yes. Study: VKGL Data-share Consensus.

Breakthrough Genomics
Classification: Likely benign. Review status: criteria provided, single submitter. Criteria: ACMG Guidelines, 2015. Collection method: not provided. Allele origin: germline. Inheritance: Autosomal recessive inheritance. Affected: yes.

PreventionGenetics, part of Exact Sciences
Classification: Benign for DST-related condition. Last evaluated: 2019-12-12. Review status: no assertion criteria provided. Collection method: clinical testing. Allele origin: germline. Not counted in ClinVar's aggregate classification.
Comment: This variant is classified as benign based on ACMG/AMP sequence variant interpretation guidelines (Richards et al. 2015 PMID: 25741868, with internal and published modifications).

Clinical Genetics, Academic Medical Center
Classification: Likely benign. Review status: no assertion criteria provided. Collection method: clinical testing. Allele origin: germline. Affected: yes. Study: VKGL Data-share Consensus. Not counted in ClinVar's aggregate classification.

NM_001374736.1(DST):c.60C>G (p.Phe20Leu)

Gene: DST (dystonin; minus strand). Cytogenetic location: 6p12.1.
Variant type: single nucleotide variant.
Coding change: c.60C>G on transcript NM_001374736.1 (MANE Select); coding-DNA position 60, C replaced by G.
Protein change: p.Phe20Leu; replaces phenylalanine 20 with leucine.
Molecular consequence: missense variant.
Genome position (GRCh38, 1-based): chr6:56,954,528, G>C on the plus strand (C>G on the coding strand, the complement: DST is on the minus strand). VCF-style: chr6-56954528-G-C. GRCh37 (hg19) VCF-style: chr6-56819326-G-C.
Other names: c.60C>G, p.Phe20Leu (NM_001144769.5, NM_001374722.1, NM_001374734.1); short protein forms F20L.
Identifiers: ClinVar variation 522341 (VCV000522341.9), dbSNP rs150003298, ClinGen allele CA3872083.